The following is an entry in ClinVar:

NM_000455.5(STK11):c.1044C>T (p.Asp348=)

Genes: STK11 (serine/threonine kinase 11; plus strand), LOC130062899 (ATAC-STARR-seq lymphoblastoid active region 13597; plus strand). Cytogenetic location: 19p13.3.
Variant type: single nucleotide variant.
Coding change: c.1044C>T on transcript NM_000455.5 (MANE Select); coding-DNA position 1044, C replaced by T.
Protein change: p.Asp348=; no amino-acid change (aspartic acid 348 retained).
Molecular consequence: synonymous variant.
Genome position (GRCh38, 1-based): chr19:1,223,108, C>T. VCF-style: chr19-1223108-C-T. GRCh37 (hg19) VCF-style: chr19-1223107-C-T.
Identifiers: ClinVar variation 185970 (VCV000185970.53), dbSNP rs778274196, ClinGen allele CA022223.

ClinVar aggregate classification (germline): Benign/Likely benign. Review status: criteria provided, multiple submitters, no conflicts (2 of 4 stars). 15 submissions from 15 submitters: Benign (3); Likely benign (11). 1 of the submissions does not count toward it. Last evaluated 2026-04-01.

Conditions:
STK11-related disorder. Also called: STK11-related condition.
Breast and/or ovarian cancer. Identifiers: MedGen CN221562.
Hereditary cancer-predisposing syndrome. Also called: Tumor predisposition; Neoplastic Syndromes, Hereditary; Hereditary Cancer Syndrome; Hereditary neoplastic syndrome. Identifiers: Orphanet 140162, MedGen C0027672, MeSH D009386, MONDO:0015356.
Peutz-Jeghers syndrome (PJS). Also called: Peutz-Jeghers polyposis; Periorificial lentiginosis syndrome; POLYPOSIS, HAMARTOMATOUS INTESTINAL; POLYPS-AND-SPOTS SYNDROME. Identifiers: Orphanet 2869, MedGen C0031269, MeSH D010580, MONDO:0008280, OMIM 175200.

Allele frequency attached by ClinVar (database versions not stated): ExAC 0.00002; gnomAD exomes 0.00002; TOPMed 0.00003; gnomAD 0.00004.
gnomAD v4.1: 20 of 1,611,392 alleles (0.0012%); highest among the groups gnomAD compares: Non-Finnish European, 0.0014%; no homozygotes.

Submissions (15):

CeGaT Center for Human Genetics Tuebingen
Classification: Likely benign. Last evaluated: 2026-04-01. Review status: criteria provided, single submitter. Criteria: CeGaT Center For Human Genetics Tuebingen Variant Classification Criteria Version 2. Collection method: clinical testing. Allele origin: germline. Affected: yes. Observed: 2 variant alleles.
Comment: STK11: BP4, BP7

Labcorp Genetics (formerly Invitae), Labcorp
Classification: Likely benign for Peutz-Jeghers syndrome. Last evaluated: 2026-01-20. Review status: criteria provided, single submitter. Criteria: Invitae Variant Classification Sherloc (09022015). Collection method: clinical testing. Allele origin: germline.

Quest Diagnostics Nichols Institute San Juan Capistrano
Classification: Benign. Last evaluated: 2025-04-02. Review status: criteria provided, single submitter. Criteria: Quest Diagnostics criteria. Collection method: clinical testing. Allele origin: unknown.

Myriad Genetics, Inc.
Classification: Benign for Peutz-Jeghers syndrome. Last evaluated: 2025-03-28. Review status: criteria provided, single submitter. Criteria: Myriad Autosomal Dominant, Autosomal Recessive and X-Linked Classification Criteria (2023). Collection method: clinical testing. Allele origin: unknown.
Comment: This variant is considered benign. This variant is a silent/synonymous amino acid change and it is not expected to impact splicing.

KCCC/NGS Laboratory, Kuwait Cancer Control Center
Classification: Benign for Peutz-Jeghers syndrome. Last evaluated: 2025-02-01. Review status: criteria provided, single submitter. Criteria: ACMG Guidelines, 2015. Collection method: clinical testing. Allele origin: germline. Affected: no.

Blueprint Genetics
Classification: Likely benign. Last evaluated: 2024-10-14. Review status: criteria provided, single submitter. Criteria: ACMG Guidelines, 2015. Collection method: clinical testing. Allele origin: germline.

All of Us Research Program, National Institutes of Health
Classification: Likely benign for Peutz-Jeghers syndrome. Last evaluated: 2023-10-27. Review status: criteria provided, single submitter. Criteria: ACMG Guidelines, 2015. Collection method: clinical testing. Allele origin: germline. Inheritance: Autosomal dominant inheritance. Observed: 2 variant alleles, 2 heterozygotes.
Comment: This study involves interpretation of variants in research participants for the purpose of population health screening. Participant phenotype was not available at the time of variant classification. Additional details can be found in publication PMID: 35346344, PMCID: PMC8962531

CHEO Genetics Diagnostic Laboratory, Children's Hospital of Eastern Ontario
Classification: Likely benign for Breast and/or ovarian cancer. Last evaluated: 2023-01-27. Review status: criteria provided, single submitter. Criteria: ACMG Guidelines, 2015. Collection method: clinical testing. Allele origin: germline.

GeneDx
Classification: Likely benign. Last evaluated: 2021-05-03. Review status: criteria provided, single submitter. Criteria: GeneDx Variant Classification Process June 2021. Collection method: clinical testing. Allele origin: germline. Affected: yes.

Department of Pathology and Laboratory Medicine, Sinai Health System
Classification: Likely benign for Peutz-Jeghers syndrome. Last evaluated: 2021-04-30. Review status: criteria provided, single submitter. Criteria: ACMG Guidelines, 2015. Collection method: clinical testing. Allele origin: germline. Affected: yes.

Sema4
Classification: Likely benign for Hereditary cancer-predisposing syndrome. Last evaluated: 2021-03-14. Review status: criteria provided, single submitter. Criteria: Sema4 Curation Guidelines. Collection method: curation. Allele origin: germline.

Women's Health and Genetics/Laboratory Corporation of America, LabCorp
Classification: Likely benign. Last evaluated: 2019-08-29. Review status: criteria provided, single submitter. Criteria: LabCorp Variant Classification Summary - May 2015. Collection method: clinical testing. Allele origin: germline.

Color Diagnostics, LLC DBA Color Health
Classification: Likely benign for Hereditary cancer-predisposing syndrome. Last evaluated: 2017-04-24. Review status: criteria provided, single submitter. Criteria: ACMG Guidelines, 2015. Collection method: clinical testing. Allele origin: germline.

Ambry Genetics
Classification: Likely benign for Hereditary cancer-predisposing syndrome. Last evaluated: 2014-12-19. Review status: criteria provided, single submitter. Criteria: Ambry Variant Classification Scheme 2023. Collection method: clinical testing. Allele origin: germline.

PreventionGenetics, part of Exact Sciences
Classification: Likely benign for STK11-related condition. Last evaluated: 2019-03-26. Review status: no assertion criteria provided. Collection method: clinical testing. Allele origin: germline. Not counted in ClinVar's aggregate classification.
Comment: This variant is classified as likely benign based on ACMG/AMP sequence variant interpretation guidelines (Richards et al. 2015 PMID: 25741868, with internal and published modifications).

Literature cited by the submitters: PubMed 30287823 (cited by Quest Diagnostics Nichols Institute San Juan Capistrano); PubMed 38509102 (cited by Quest Diagnostics Nichols Institute San Juan Capistrano).